The following is an entry in ClinVar:

NM_002292.4(LAMB2):c.3641G>A (p.Arg1214Gln)

Gene: LAMB2 (laminin subunit beta 2; minus strand). Cytogenetic location: 3p21.31.
Variant type: single nucleotide variant.
Coding change: c.3641G>A on transcript NM_002292.4 (MANE Select); coding-DNA position 3641, G replaced by A.
Protein change: p.Arg1214Gln; replaces arginine 1214 with glutamine.
Molecular consequence: missense variant.
Genome position (GRCh38, 1-based): chr3:49,123,884, C>T on the plus strand (G>A on the coding strand, the complement: LAMB2 is on the minus strand). VCF-style: chr3-49123884-C-T. GRCh37 (hg19) VCF-style: chr3-49161317-C-T.
Other names: c.3641G>A (NM_002292.3); short protein forms R1214Q.
Identifiers: ClinVar variation 1460601 (VCV001460601.11), dbSNP rs202135107, ClinGen allele CA2393996.

ClinVar aggregate classification (germline): Conflicting classifications of pathogenicity. Review status: criteria provided, conflicting classifications (1 of 4 stars). 3 submissions from 3 submitters: Uncertain significance (1); Likely benign (1). 1 of the submissions does not count toward it. Last evaluated 2025-12-01.

Conditions:
LAMB2-related disorder. Also called: LAMB2-related condition.
Pierson syndrome. Also called: MICROCORIA-CONGENITAL NEPHROTIC SYNDROME. Identifiers: Orphanet 2670, MedGen C1836876, MONDO:0012184, OMIM 609049.
LAMB2-related infantile-onset nephrotic syndrome. Also called: NEPHROTIC SYNDROME, TYPE 5, WITHOUT OCULAR ABNORMALITIES; NEPHROTIC SYNDROME, TYPE 5, WITH OCULAR ABNORMALITIES; Nephrotic Syndrome, type 5. Identifiers: Orphanet 306507, MedGen C3280113, MONDO:0013621, OMIM 614199.
Inborn genetic diseases. Identifiers: MedGen C0950123, MeSH D030342.

Allele frequency attached by ClinVar (database versions not stated): gnomAD exomes 0.00004 and 0.00014; gnomAD 0.00006 and 0.00012; TOPMed 0.00015; ExAC 0.00017; 1000 Genomes Project 0.00060; 1000 Genomes Project 30x 0.00062.
gnomAD v4.1: 101 of 1,613,492 alleles (0.0063%); highest among the groups gnomAD compares: East Asian, 0.12%; 1 homozygote.

Submissions (3):

Labcorp Genetics (formerly Invitae), Labcorp
Classification: Uncertain significance for LAMB2-related infantile-onset nephrotic syndrome; Pierson syndrome. Last evaluated: 2025-12-01. Review status: criteria provided, single submitter. Criteria: Invitae Variant Classification Sherloc (09022015). Collection method: clinical testing. Allele origin: germline.
Comment: This sequence change replaces arginine, which is basic and polar, with glutamine, which is neutral and polar, at codon 1214 of the LAMB2 protein (p.Arg1214Gln). This variant is present in population databases (rs202135107, gnomAD 0.2%). This variant has not been reported in the literature in individuals affected with LAMB2-related conditions. ClinVar contains an entry for this variant (Variation ID: 1460601). An algorithm developed to predict the effect of missense changes on protein structure and function outputs the following: PolyPhen-2: "Benign". The glutamine amino acid residue is found in multiple mammalian species, which suggests that this missense change does not adversely affect protein function. In summary, the available evidence is currently insufficient to determine the role of this variant in disease. Therefore, it has been classified as a Variant of Uncertain Significance.

Ambry Genetics
Classification: Likely benign for Inborn genetic diseases. Last evaluated: 2023-10-10. Review status: criteria provided, single submitter. Criteria: Ambry Variant Classification Scheme 2023. Collection method: clinical testing. Allele origin: germline.

PreventionGenetics, part of Exact Sciences
Classification: Likely benign for LAMB2-related condition. Last evaluated: 2022-03-21. Review status: no assertion criteria provided. Collection method: clinical testing. Allele origin: germline. Not counted in ClinVar's aggregate classification.
Comment: This variant is classified as likely benign based on ACMG/AMP sequence variant interpretation guidelines (Richards et al. 2015 PMID: 25741868, with internal and published modifications).